The following is an entry in ClinVar:

NM_007294.4(BRCA1):c.254A>C (p.Glu85Ala)

Gene: BRCA1 (BRCA1 DNA repair associated; minus strand). Cytogenetic location: 17q21.31.
Variant type: single nucleotide variant.
Coding change: c.254A>C on transcript NM_007294.4 (MANE Select); coding-DNA position 254, A replaced by C.
Protein change: p.Glu85Ala; replaces glutamic acid 85 with alanine.
Molecular consequence: missense variant. On other transcripts: non-coding transcript variant (1).
Genome position (GRCh38, 1-based): chr17:43,104,915, T>G on the plus strand (A>C on the coding strand, the complement: BRCA1 is on the minus strand). VCF-style: chr17-43104915-T-G. GRCh37 (hg19) VCF-style: chr17-41256932-T-G.
Other names: c.44A>C, p.Glu15Ala (NM_001407571.1, NM_001407853.1, NM_001407879.1 and 58 more transcripts); c.254A>C, p.Glu85Ala (NM_001407581.1, NM_001407582.1, NM_001407583.1 and 168 more transcripts); c.176A>C, p.Glu59Ala (NM_001407653.1, NM_001407654.1, NM_001407655.1 and 21 more transcripts); c.113A>C, p.Glu38Ala (NM_001407692.1, NM_001407694.1, NM_001407695.1 and 99 more transcripts); c.-128A>C (NM_001407959.1, NM_001407960.1, NM_001407962.1 and 4 more transcripts); c.122A>C, p.Glu41Ala (NM_001408451.1); short protein forms E38A, E85A, E15A, E41A, E59A.
Identifiers: ClinVar variation 868806 (VCV000868806.3), dbSNP rs2054684634, ClinGen allele CA10601647.

Conditions:
Breast-ovarian cancer, familial, susceptibility to, 1 (BROVCA1). Also called: BRCA1 Hereditary Breast and Ovarian Cancer; OVARIAN CANCER, SUSCEPTIBILITY TO. Identifiers: Orphanet 145, MedGen C2676676, MONDO:0011450, OMIM 604370. Disease mechanism: loss of function.

Submission:

Brotman Baty Institute, University of Washington
No classification provided (evidence only). Condition: Breast-ovarian cancer, familial 1. Review status: no classification provided. Collection method: in vitro. Allele origin: not applicable. Functional consequence: functionally_normal.
ClinVar note: "not provided" was previously submitted as the classification for the variant. However, the classification appeared to be based only on an observation of functional data so it was converted to no classification on 2025-07-30.